The following is an entry in ClinVar:

ClinVar aggregate classification (germline): Uncertain significance (1 of 4 stars; one submission).

Conditions:
Inborn genetic diseases. Identifiers: MedGen C0950123, MeSH D030342.

Allele frequency attached by ClinVar (database versions not stated): gnomAD exomes below 0.00001; ExAC 0.00001.
gnomAD v4.1: 2 of 1,612,882 alleles (0.00012%); highest among the groups gnomAD compares: Non-Finnish European, 0.00017%; no homozygotes.

Submission:

Ambry Genetics
Classification: Uncertain significance for Inborn genetic diseases. Last evaluated: 2024-02-02. Review status: criteria provided, single submitter. Criteria: Ambry Variant Classification Scheme 2023. Collection method: clinical testing. Allele origin: germline.
Comment: The p.E854G variant (also known as c.2561A>G), located in coding exon 20 of the LRRK2 gene, results from an A to G substitution at nucleotide position 2561. The glutamic acid at codon 854 is replaced by glycine, an amino acid with similar properties. This amino acid position is conserved. In addition, this alteration is predicted to be tolerated by in silico analysis. Since supporting evidence is limited at this time, the clinical significance of this alteration remains unclear.

NM_198578.4(LRRK2):c.2561A>G (p.Glu854Gly)

Gene: LRRK2 (leucine rich repeat kinase 2; plus strand). Cytogenetic location: 12q12.
Variant type: single nucleotide variant.
Coding change: c.2561A>G on transcript NM_198578.4 (MANE Select); coding-DNA position 2561, A replaced by G.
Protein change: p.Glu854Gly; replaces glutamic acid 854 with glycine.
Molecular consequence: missense variant.
Genome position (GRCh38, 1-based): chr12:40,287,411, A>G. VCF-style: chr12-40287411-A-G. GRCh37 (hg19) VCF-style: chr12-40681213-A-G.
Other names: short protein forms E854G.
Identifiers: ClinVar variation 1793116 (VCV001793116.2), dbSNP rs754632911, ClinGen allele CA6513673.